The following is an entry in ClinVar:

NM_001035.3(RYR2):c.2047G>C (p.Glu683Gln)

Gene: RYR2 (ryanodine receptor 2; plus strand). Cytogenetic location: 1q43.
Variant type: single nucleotide variant.
Coding change: c.2047G>C on transcript NM_001035.3 (MANE Select); coding-DNA position 2047, G replaced by C.
Protein change: p.Glu683Gln; replaces glutamic acid 683 with glutamine.
Molecular consequence: missense variant.
Genome position (GRCh38, 1-based): chr1:237,496,596, G>C. VCF-style: chr1-237496596-G-C. GRCh37 (hg19) VCF-style: chr1-237659896-G-C.
Other names: short protein forms E683Q.
Identifiers: ClinVar variation 4158422 (VCV004158422.1).

ClinVar aggregate classification (germline): Uncertain significance (1 of 4 stars; one submission).

Conditions:
Cardiovascular phenotype. Identifiers: MedGen CN230736.

Submission:

Ambry Genetics
Classification: Uncertain significance for Cardiovascular phenotype. Last evaluated: 2025-06-18. Review status: criteria provided, single submitter. Criteria: Ambry Variant Classification Scheme 2023. Collection method: clinical testing. Allele origin: germline.
Comment: The p.E683Q variant (also known as c.2047G>C), located in coding exon 20 of the RYR2 gene, results from a G to C substitution at nucleotide position 2047. The glutamic acid at codon 683 is replaced by glutamine, an amino acid with highly similar properties. This amino acid position is well conserved in available vertebrate species. In addition, this alteration is predicted to be tolerated by in silico analysis. Based on the available evidence, the clinical significance of this variant remains unclear.